The following is an entry in ClinVar:

ClinVar aggregate classification (germline): Likely pathogenic (1 of 4 stars; one submission).

Submission:

GeneDx
Classification: Likely pathogenic. Last evaluated: 2022-02-17. Review status: criteria provided, single submitter. Criteria: GeneDx Variant Classification Process June 2021. Collection method: clinical testing. Allele origin: germline. Affected: yes.
Comment: Not observed in large population cohorts (gnomAD); In silico analysis supports that this missense variant has a deleterious effect on protein structure/function; Has not been previously published as pathogenic or benign to our knowledge

NM_001356.5(DDX3X):c.875G>A (p.Arg292Gln)

Gene: DDX3X (DEAD-box helicase 3 X-linked; plus strand). Cytogenetic location: Xp11.4.
Variant type: single nucleotide variant.
Coding change: c.875G>A on transcript NM_001356.5 (MANE Select); coding-DNA position 875, G replaced by A.
Protein change: p.Arg292Gln; replaces arginine 292 with glutamine.
Molecular consequence: missense variant. On other transcripts: non-coding transcript variant (1).
Genome position (GRCh38, 1-based): chrX:41,344,249, G>A. VCF-style: chrX-41344249-G-A. GRCh37 (hg19) VCF-style: chrX-41203502-G-A.
Other names: c.875G>A, p.Arg292Gln (NM_001193416.3); c.827G>A, p.Arg276Gln (NM_001193417.3); c.317G>A, p.Arg106Gln (NM_001363819.1); short protein forms R292Q, R106Q, R276Q.
Identifiers: ClinVar variation 424031 (VCV000424031.5), dbSNP rs1064796759, ClinGen allele CA16621384.